The following is an entry in ClinVar:

ClinVar aggregate classification (germline): Likely pathogenic (1 of 4 stars; one submission).

Conditions:
O'Donnell-Luria-Rodan syndrome (ODLURO). Also called: KMT2E-Related Neurodevelopmental Disorder. Identifiers: MedGen C5193138, MONDO:0032793, OMIM 618512.

Submission:

3billion
Classification: Likely pathogenic for O'Donnell-Luria-Rodan syndrome. Last evaluated: 2025-12-15. Review status: criteria provided, single submitter. Criteria: ACMG Guidelines, 2015. Collection method: clinical testing. Allele origin: germline. Affected: yes.
Comment: The variant is not observed in the gnomAD v4.1.0 dataset. Predicted Consequence/Location: Frameshift: predicted to result in a loss or disruption of normal protein function through nonsense-mediated decay (NMD) or protein truncation. Multiple pathogenic variants are reported downstream of the variant. Therefore, this variant is classified as Likely pathogenic according to the recommendation of ACMG/AMP guideline.

NM_182931.3(KMT2E):c.443_446del (p.Gly148fs)

Gene: KMT2E (lysine methyltransferase 2E (inactive); plus strand). Cytogenetic location: 7q22.3.
Variant type: Deletion.
Coding change: c.443_446del on transcript NM_182931.3 (MANE Select); coding-DNA positions 443 to 446, 4 bases deleted (GGAT; older notation c.443_446delGGAT).
Protein change: p.Gly148fs; shifts the reading frame from glycine 148.
Molecular consequence: frameshift variant.
Genome position (GRCh38, 1-based): chr7:105,066,753-105,066,756, GGAT deleted. VCF-style (leftmost placement, unchanged base first): chr7-105066752-GGGAT-G. GRCh37 (hg19) VCF-style: chr7-104707199-GGGAT-G.
Other names: c.443_446del, p.Gly148fs (NM_001410908.1, NM_018682.4); short protein forms G148fs.
Identifiers: ClinVar variation 4854968 (VCV004854968.1).